The following is an entry in ClinVar:

NM_024642.5(GALNT12):c.874_876delinsAA (p.Glu292fs)

Gene: GALNT12 (polypeptide N-acetylgalactosaminyltransferase 12; plus strand). Cytogenetic location: 9q22.33.
Variant type: Indel.
Coding change: c.874_876delinsAA on transcript NM_024642.5 (MANE Select); coding-DNA positions 874 to 876, GAG replaced by AA.
Protein change: p.Glu292fs; shifts the reading frame from glutamic acid 292.
Molecular consequence: frameshift variant.
Genome position (GRCh38, 1-based): chr9:98,831,914-98,831,916, GAG replaced by AA. VCF-style: chr9-98831914-GAG-AA. GRCh37 (hg19) VCF-style: chr9-101594196-GAG-AA.
Other names: short protein forms E292fs.
Identifiers: ClinVar variation 410590 (VCV000410590.7), dbSNP rs1060502969, ClinGen allele CA16612799.
Genomic context (GRCh38, chr9:98,831,914, plus strand): 5'-GGGGAGCCCCAGATCGGCGGTTTCGACTGGAGGCTGGTGTTCACGTGGCACACAGTTCCT[GAG>AA]AGGGAGAGGATACGGATGCAATCCCCCGTCGATGTCATCAGGTCAGGAGCTGACTTCTGG-3'

ClinVar aggregate classification (germline): Uncertain significance. Review status: criteria provided, multiple submitters, no conflicts (2 of 4 stars). 2 submissions from 2 submitters: Uncertain significance (2). Last evaluated 2024-02-23.

Submissions (2):

Ambry Genetics
Classification: Uncertain significance. Last evaluated: 2024-02-23. Review status: criteria provided, single submitter. Criteria: Ambry Variant Classification Scheme 2023. Collection method: clinical testing. Allele origin: germline.
Comment: The c.874_876delGAGinsAA variant, located in coding exon 4 of the GALNT12 gene, results from the deletion of 3 nucleotides and insertion of two nucleotides causing a translational frameshift with a predicted alternate stop codon (p.E292Kfs*26). This alteration is expected to result in premature protein truncation or nonsense-mediated mRNA decay. The evidence for this gene-disease relationship is limited; therefore, the clinical significance of this alteration is unclear.

Labcorp Genetics (formerly Invitae), Labcorp
Classification: Uncertain significance. Last evaluated: 2021-11-09. Review status: criteria provided, single submitter. Criteria: Invitae Variant Classification Sherloc (09022015). Collection method: clinical testing. Allele origin: germline.
Comment: In summary, the available evidence is currently insufficient to determine the role of this variant in disease. Therefore, it has been classified as a Variant of Uncertain Significance. This variant has not been reported in the literature in individuals affected with GALNT12-related conditions. This variant is not present in population databases (gnomAD no frequency). This sequence change creates a premature translational stop signal (p.Glu292Lysfs*26) in the GALNT12 gene. It is expected to result in an absent or disrupted protein product. However, the current clinical and genetic evidence is not sufficient to establish whether loss-of-function variants in GALNT12 cause disease.